The following is an entry in ClinVar:

ClinVar aggregate classification (germline): Uncertain significance. Review status: criteria provided, multiple submitters, no conflicts (2 of 4 stars). 2 submissions from 2 submitters: Uncertain significance (2). Last evaluated 2024-03-22.

Allele frequency attached by ClinVar (database versions not stated): gnomAD exomes 0.00002.

Submissions (2):

Labcorp Genetics (formerly Invitae), Labcorp
Classification: Uncertain significance. Last evaluated: 2024-03-22. Review status: criteria provided, single submitter. Criteria: Invitae Variant Classification Sherloc (09022015). Collection method: clinical testing. Allele origin: germline.
Comment: This sequence change replaces alanine, which is neutral and non-polar, with glycine, which is neutral and non-polar, at codon 306 of the ARID1B protein (p.Ala306Gly). The frequency data for this variant in the population databases is considered unreliable, as metrics indicate poor data quality at this position in the gnomAD database. This variant has not been reported in the literature in individuals affected with ARID1B-related conditions. ClinVar contains an entry for this variant (Variation ID: 500347). Experimental studies and prediction algorithms are not available or were not evaluated, and the functional significance of this variant is currently unknown. In summary, the available evidence is currently insufficient to determine the role of this variant in disease. Therefore, it has been classified as a Variant of Uncertain Significance.

Eurofins Ntd Llc (ga)
Classification: Uncertain significance. Last evaluated: 2017-02-03. Review status: criteria provided, single submitter. Criteria: EGL Classification Definitions 2015. Collection method: clinical testing. Allele origin: germline. Observed: 1 variant allele, 1 heterozygote.

NM_001374828.1(ARID1B):c.1166C>G (p.Ala389Gly)

Gene: ARID1B (AT-rich interaction domain 1B; plus strand). Cytogenetic location: 6q25.3.
Variant type: single nucleotide variant.
Coding change: c.1166C>G on transcript NM_001374828.1 (MANE Select); coding-DNA position 1166, C replaced by G.
Protein change: p.Ala389Gly; replaces alanine 389 with glycine.
Molecular consequence: missense variant.
Genome position (GRCh38, 1-based): chr6:156,778,846, C>G. VCF-style: chr6-156778846-C-G. GRCh37 (hg19) VCF-style: chr6-157099980-C-G.
Other names: c.1166C>G, p.Ala389Gly (NM_001371656.1, NM_001374820.1, NM_017519.3); short protein forms A389G.
Identifiers: ClinVar variation 500347 (VCV000500347.7), dbSNP rs1168284939, ClinGen allele CA366383335.